The following is an entry in ClinVar:

NM_001113378.2(FANCI):c.2695_2698del (p.Glu899fs)

Gene: FANCI (FA complementation group I; plus strand). Cytogenetic location: 15q26.1.
Variant type: Deletion.
Coding change: c.2695_2698del on transcript NM_001113378.2 (MANE Select); coding-DNA positions 2695 to 2698, 4 bases deleted (GAGA; older notation c.2695_2698delGAGA).
Protein change: p.Glu899fs; shifts the reading frame from glutamic acid 899.
Molecular consequence: frameshift variant.
Genome position (GRCh38, 1-based): chr15:89,299,858-89,299,861, GAGA deleted; deleting any 4 consecutive bases within chr15:89,299,857-89,299,861 gives the same sequence; the c. name uses the placement nearest the transcript's 3' end. VCF-style (leftmost placement, unchanged base first): chr15-89299856-AAGAG-A. GRCh37 (hg19) VCF-style: chr15-89843087-AAGAG-A.
Other names: c.2416_2419del, p.Glu806fs (NM_001376910.1); c.2695_2698del, p.Glu899fs (NM_001376911.1); c.2515_2518del, p.Glu839fs (NM_018193.3); short protein forms E806fs, E839fs, E899fs.
Identifiers: ClinVar variation 1073102 (VCV001073102.10), dbSNP rs745893292, ClinGen allele CA7723442.
Genomic context (GRCh38, chr15:89,299,856, plus strand): 5'-TCAGAGTCTTGCTATGGAGATACACTTCAATTCCTACTTCAGTGGAAGAGTCGGGAAAGA[AAGAG>A]AAAGGAAAGAGCATCTCACTGCTGTGCTTGGAGGGTTTACAGAAAATATTCAGTGCTGTG-3'

ClinVar aggregate classification (germline): Pathogenic/Likely pathogenic. Review status: criteria provided, multiple submitters, no conflicts (2 of 4 stars). 3 submissions from 3 submitters: Pathogenic (1); Likely pathogenic (2). Last evaluated 2024-03-31.

Conditions:
Fanconi anemia (FA). Also called: Fanconi's anemia. Identifiers: Orphanet 84, MedGen C0015625, MeSH D005199, MONDO:0019391.
Fanconi anemia complementation group I (FANCI). Also called: FANCI-Related Fanconi Anemia. Identifiers: Orphanet 84, MedGen C1836861, MONDO:0012186, OMIM 609053.

Submissions (3):

Fulgent Genetics
Classification: Likely pathogenic for Fanconi anemia complementation group I. Last evaluated: 2024-03-31. Review status: criteria provided, single submitter. Criteria: ACMG Guidelines, 2015. Collection method: clinical testing. Allele origin: germline.

Baylor Genetics
Classification: Likely pathogenic for Fanconi anemia complementation group I. Last evaluated: 2024-02-05. Review status: criteria provided, single submitter. Criteria: ACMG Guidelines, 2015. Collection method: clinical testing. Allele origin: unknown.

Labcorp Genetics (formerly Invitae), Labcorp
Classification: Pathogenic for Fanconi anemia. Last evaluated: 2020-06-05. Review status: criteria provided, single submitter. Criteria: Invitae Variant Classification Sherloc (09022015). Collection method: clinical testing. Allele origin: germline.
Comment: This variant has not been reported in the literature in individuals with FANCI-related conditions. For these reasons, this variant has been classified as Pathogenic. Loss-of-function variants in FANCI are known to be pathogenic (PMID: 17452773, 17460694). This variant is present in population databases (rs745893292, ExAC 0.001%). This sequence change creates a premature translational stop signal (p.Glu899Lysfs*68) in the FANCI gene. It is expected to result in an absent or disrupted protein product.

Literature cited by the submitters: PubMed 17452773 (cited by Labcorp Genetics (formerly Invitae), Labcorp); PubMed 17460694 (cited by Labcorp Genetics (formerly Invitae), Labcorp).